The following is an entry in ClinVar:

NM_000418.4(IL4R):c.2349G>A (p.Ser783=)

Gene: IL4R (interleukin 4 receptor; plus strand). Cytogenetic location: 16p12.1.
Variant type: single nucleotide variant.
Coding change: c.2349G>A on transcript NM_000418.4 (MANE Select); coding-DNA position 2349, G replaced by A.
Protein change: p.Ser783=; no amino-acid change (serine 783 retained).
Molecular consequence: synonymous variant.
Genome position (GRCh38, 1-based): chr16:27,363,701, G>A. VCF-style: chr16-27363701-G-A. GRCh37 (hg19) VCF-style: chr16-27375022-G-A.
Other names: c.2349G>A, p.Ser783= (NM_001257406.2); c.2304G>A, p.Ser768= (NM_001257407.2); c.1869G>A, p.Ser623= (NM_001257997.2).
Identifiers: ClinVar variation 3051452 (VCV003051452.2), dbSNP rs142940261, ClinGen allele CA7974742.

ClinVar aggregate classification (germline): Likely benign (0 of 4 stars; one submission).

Conditions:
IL4R-related disorder. Also called: IL4R-related condition.

Allele frequency attached by ClinVar (database versions not stated): gnomAD exomes 0.00016; ExAC 0.00027; 1000 Genomes Project 0.00040; 1000 Genomes Project 30x 0.00047; gnomAD 0.00072; ESP Exome Variant Server 0.00085; TOPMed 0.00086.

Submission:

PreventionGenetics, part of Exact Sciences
Classification: Likely benign for IL4R-related condition. Last evaluated: 2020-01-27. Review status: no assertion criteria provided. Collection method: clinical testing. Allele origin: germline.
Comment: This variant is classified as likely benign based on ACMG/AMP sequence variant interpretation guidelines (Richards et al. 2015 PMID: 25741868, with internal and published modifications).